The following is an entry in ClinVar:

ClinVar aggregate classification (germline): Likely benign (1 of 4 stars; one submission).

gnomAD v4.1: 8 of 1,612,910 alleles (0.0005%); highest among the groups gnomAD compares: East Asian, 0.0022%; no homozygotes.

Submission:

CeGaT Center for Human Genetics Tuebingen
Classification: Likely benign. Last evaluated: 2026-07-01. Review status: criteria provided, single submitter. Criteria: CeGaT Center For Human Genetics Tuebingen Variant Classification Criteria Version 2. Collection method: clinical testing. Allele origin: germline. Affected: yes. Observed: 1 variant allele.
Comment: TTN: BP4, BP7

NM_001267550.2(TTN):c.11311+5439A>T

Genes: TTN (titin; minus strand), LOC126806432 (CDK7 strongly-dependent group 2 enhancer GRCh37_chr2:179611985-179613184; plus strand). Cytogenetic location: 2q31.2.
Variant type: single nucleotide variant.
Coding change: c.11311+5439A>T on transcript NM_001267550.2 (MANE Select); 5439 bases into the intron after coding-DNA position 11311, A replaced by T.
Molecular consequence: intron variant. On other transcripts: synonymous variant (1).
Genome position (GRCh38, 1-based): chr2:178,747,685, T>A on the plus strand (A>T on the coding strand, the complement: TTN is on the minus strand). VCF-style: chr2-178747685-T-A. GRCh37 (hg19) VCF-style: chr2-179612412-T-A.
Other names: c.14715A>T, p.Leu4905= (NM_133379.5); c.10222+5439A>T (NM_003319.4); c.10798+5439A>T (NM_133437.4); c.10597+5439A>T (NM_133432.3); c.10360+5439A>T (NM_133378.4, NM_001256850.1).
Identifiers: ClinVar variation 4874396 (VCV004874396.2).
Genomic context (GRCh38, chr2:178,747,685, plus strand): 5'-GTCTCTGGTGTCTTTAGTTTCAGGAACCTCACGCTTTCCAGCAGCAAGTAAATATTGTGT[T>A]AGGGAGGTCTCAGATTCTGCTGCCTCAGTGGTATGTGCCTCATCTAATTTAGGAATATTT-3'